The following is an entry in ClinVar:

NM_005445.4(SMC3):c.350+3A>G

Gene: SMC3 (structural maintenance of chromosomes 3; plus strand). Cytogenetic location: 10q25.2.
Variant type: single nucleotide variant.
Coding change: c.350+3A>G on transcript NM_005445.4 (MANE Select); 3 bases into the intron after coding-DNA position 350, A replaced by G.
Molecular consequence: intron variant.
Genome position (GRCh38, 1-based): chr10:110,577,917, A>G. VCF-style: chr10-110577917-A-G. GRCh37 (hg19) VCF-style: chr10-112337675-A-G.
Identifiers: ClinVar variation 3336053 (VCV003336053.1).

ClinVar aggregate classification (germline): Uncertain significance (1 of 4 stars; one submission).

Submission:

Women's Health and Genetics/Laboratory Corporation of America, LabCorp
Classification: Uncertain significance. Last evaluated: 2024-05-10. Review status: criteria provided, single submitter. Criteria: LabCorp Variant Classification Summary - May 2015. Collection method: clinical testing. Allele origin: germline.
Comment: Variant summary: SMC3 c.350+3A>G alters a conserved nucleotide located close to a canonical splice site and therefore could affect mRNA splicing, leading to a significantly altered protein sequence. Consensus agreement among computation tools predict no significant impact on normal splicing. However, these predictions have yet to be confirmed by functional studies. The variant was absent in 251114 control chromosomes. The available data on variant occurrences in the general population are insufficient to allow any conclusion about variant significance. To our knowledge, no occurrence of c.350+3A>G in individuals affected with Cornelia De Lange Syndrome 3 and no experimental evidence demonstrating its impact on protein function have been reported. No submitters have cited clinical-significance assessments for this variant to ClinVar. Based on the evidence outlined above, the variant was classified as uncertain significance.